The following is an entry in ClinVar:

NM_022464.5(SIL1):c.914G>A (p.Arg305Gln)

Gene: SIL1 (SIL1 nucleotide exchange factor; minus strand). Cytogenetic location: 5q31.2.
Variant type: single nucleotide variant.
Coding change: c.914G>A on transcript NM_022464.5 (MANE Select); coding-DNA position 914, G replaced by A.
Protein change: p.Arg305Gln; replaces arginine 305 with glutamine.
Molecular consequence: missense variant.
Genome position (GRCh38, 1-based): chr5:138,951,286, C>T on the plus strand (G>A on the coding strand, the complement: SIL1 is on the minus strand). VCF-style: chr5-138951286-C-T. GRCh37 (hg19) VCF-style: chr5-138286975-C-T.
Other names: c.914G>A (NM_022464.4); c.914G>A, p.Arg305Gln (NM_001037633.2); short protein forms R305Q.
Identifiers: ClinVar variation 1472158 (VCV001472158.7), dbSNP rs1190109793, ClinGen allele CA361137667.

ClinVar aggregate classification (germline): Conflicting classifications of pathogenicity. Review status: criteria provided, conflicting classifications (1 of 4 stars). 2 submissions from 2 submitters: Uncertain significance (1); Likely benign (1). Last evaluated 2024-10-17.

Conditions:
Inborn genetic diseases. Identifiers: MedGen C0950123, MeSH D030342.
Marinesco-Sjögren syndrome (MSS). Also called: Marinesco-SjÃ¶gren syndrome; Marinesco-Sjogren Syndrome. Identifiers: Orphanet 559, MedGen C0024814, MONDO:0009567, OMIM 248800.

Allele frequency attached by ClinVar (database versions not stated): gnomAD exomes 0.00001; gnomAD 0.00002; TOPMed 0.00002.
gnomAD v4.1: 15 of 1,571,458 alleles (0.00095%); highest among the groups gnomAD compares: Admixed American, 0.0037%; no homozygotes.

Submissions (2):

Ambry Genetics
Classification: Likely benign for Inborn genetic diseases. Last evaluated: 2024-10-17. Review status: criteria provided, single submitter. Criteria: Ambry Variant Classification Scheme 2023. Collection method: clinical testing. Allele origin: germline.

Labcorp Genetics (formerly Invitae), Labcorp
Classification: Uncertain significance for Marinesco-Sjögren syndrome. Last evaluated: 2022-02-23. Review status: criteria provided, single submitter. Criteria: Invitae Variant Classification Sherloc (09022015). Collection method: clinical testing. Allele origin: germline.
Comment: This variant has not been reported in the literature in individuals affected with SIL1-related conditions. The frequency data for this variant in the population databases is considered unreliable, as metrics indicate poor data quality at this position in the gnomAD database. This sequence change replaces arginine, which is basic and polar, with glutamine, which is neutral and polar, at codon 305 of the SIL1 protein (p.Arg305Gln). Algorithms developed to predict the effect of missense changes on protein structure and function output the following: SIFT: "Tolerated"; PolyPhen-2: "Benign"; Align-GVGD: "Class C0". The glutamine amino acid residue is found in multiple mammalian species, which suggests that this missense change does not adversely affect protein function. In summary, the available evidence is currently insufficient to determine the role of this variant in disease. Therefore, it has been classified as a Variant of Uncertain Significance. Algorithms developed to predict the effect of sequence changes on RNA splicing suggest that this variant may create or strengthen a splice site.